The following is an entry in ClinVar:

NM_001206927.2(DNAH8):c.13962T>G (p.Ile4654Met)

Gene: DNAH8 (dynein axonemal heavy chain 8; plus strand). Cytogenetic location: 6p21.2.
Variant type: single nucleotide variant.
Coding change: c.13962T>G on transcript NM_001206927.2 (MANE Select); coding-DNA position 13962, T replaced by G.
Protein change: p.Ile4654Met; replaces isoleucine 4654 with methionine.
Molecular consequence: missense variant.
Genome position (GRCh38, 1-based): chr6:39,030,230, T>G. VCF-style: chr6-39030230-T-G. GRCh37 (hg19) VCF-style: chr6-38998006-T-G.
Other names: c.13311T>G, p.Ile4437Met (NM_001371.4); short protein forms I4437M, I4654M.
Identifiers: ClinVar variation 1364624 (VCV001364624.7), dbSNP rs200859037, ClinGen allele CA3791830.

ClinVar aggregate classification (germline): Uncertain significance (1 of 4 stars; one submission).

Conditions:
Primary ciliary dyskinesia. Also called: Ciliary dyskinesia. Identifiers: Orphanet 244, MedGen C0008780, MONDO:0016575, HP:0012265.

Allele frequency attached by ClinVar (database versions not stated): gnomAD 0.00007; gnomAD exomes 0.00007 and 0.00012; TOPMed 0.00007; ExAC 0.00018; ESP Exome Variant Server 0.00008.
gnomAD v4.1: 113 of 1,614,022 alleles (0.007%); highest among the groups gnomAD compares: Non-Finnish European, 0.0086%; no homozygotes.

Submission:

Labcorp Genetics (formerly Invitae), Labcorp
Classification: Uncertain significance for Primary ciliary dyskinesia. Last evaluated: 2025-05-23. Review status: criteria provided, single submitter. Criteria: Invitae Variant Classification Sherloc (09022015). Collection method: clinical testing. Allele origin: germline.
Comment: This sequence change replaces isoleucine, which is neutral and non-polar, with methionine, which is neutral and non-polar, at codon 4654 of the DNAH8 protein (p.Ile4654Met). This variant is present in population databases (rs200859037, gnomAD 0.02%). This variant has not been reported in the literature in individuals affected with DNAH8-related conditions. ClinVar contains an entry for this variant (Variation ID: 1364624). Invitae Evidence Modeling of protein sequence and biophysical properties (such as structural, functional, and spatial information, amino acid conservation, physicochemical variation, residue mobility, and thermodynamic stability) indicates that this missense variant is not expected to disrupt DNAH8 protein function with a negative predictive value of 80%. In summary, the available evidence is currently insufficient to determine the role of this variant in disease. Therefore, it has been classified as a Variant of Uncertain Significance.